The following is an entry in ClinVar:

ClinVar aggregate classification (germline): Uncertain significance (1 of 4 stars; one submission).

Conditions:
Stormorken syndrome (STRMK). Also called: THROMBOCYTOPATHY, ASPLENIA, AND MIOSIS. Identifiers: Orphanet 3204, MedGen C1861451, MONDO:0008497, OMIM 185070.
Combined immunodeficiency due to STIM1 deficiency. Also called: IMMUNODEFICIENCY 10; STIM1 DEFICIENCY. Identifiers: Orphanet 169090, Orphanet 317430, MedGen C2748557, MONDO:0013008, OMIM 612783.
Myopathy with tubular aggregates (TAM). Also called: Tubular Aggregate Myopathy. Identifiers: Orphanet 2593, MedGen C0410207, MONDO:0008051.

Allele frequency attached by ClinVar (database versions not stated): gnomAD exomes 0.00001; TOPMed below 0.00001.
gnomAD v4.1: 3 of 1,613,968 alleles (0.00019%); highest among the groups gnomAD compares: Admixed American, 0.0033%; no homozygotes.

Submission:

Labcorp Genetics (formerly Invitae), Labcorp
Classification: Uncertain significance for Myopathy with tubular aggregates; Combined immunodeficiency due to STIM1 deficiency; Stormorken syndrome. Last evaluated: 2026-01-27. Review status: criteria provided, single submitter. Criteria: Invitae Variant Classification Sherloc (09022015). Collection method: clinical testing. Allele origin: germline.
Comment: This sequence change replaces histidine, which is basic and polar, with tyrosine, which is neutral and polar, at codon 99 of the STIM1 protein (p.His99Tyr). This variant is present in population databases (no rsID available, gnomAD 0.006%). This variant has not been reported in the literature in individuals affected with STIM1-related conditions. ClinVar contains an entry for this variant (Variation ID: 1005348). Invitae Evidence Modeling of protein sequence and biophysical properties (such as structural, functional, and spatial information, amino acid conservation, physicochemical variation, residue mobility, and thermodynamic stability) has been performed for this missense variant. However, the output from this modeling did not meet the statistical confidence thresholds required to predict the impact of this variant on STIM1 protein function. In summary, the available evidence is currently insufficient to determine the role of this variant in disease. Therefore, it has been classified as a Variant of Uncertain Significance.

NM_001382567.1(STIM1):c.295C>T (p.His99Tyr)

Gene: STIM1 (stromal interaction molecule 1; plus strand). Cytogenetic location: 11p15.4.
Variant type: single nucleotide variant.
Coding change: c.295C>T on transcript NM_001382567.1 (MANE Select); coding-DNA position 295, C replaced by T.
Protein change: p.His99Tyr; replaces histidine 99 with tyrosine.
Molecular consequence: missense variant. On other transcripts: 5 prime UTR variant (3), non-coding transcript variant (3).
Genome position (GRCh38, 1-based): chr11:4,023,897, C>T. VCF-style: chr11-4023897-C-T. GRCh37 (hg19) VCF-style: chr11-4045127-C-T.
Other names: c.295C>T, p.His99Tyr (NM_001277961.3, NM_001277962.2, NM_001382568.1 and 3 more transcripts); c.73C>T, p.His25Tyr (NM_001382566.1, NM_001382573.1, NM_001382574.1 and 5 more transcripts); c.160C>T, p.His54Tyr (NM_001382569.1); c.-74C>T (NM_001382571.1); c.-195C>T (NM_001382580.1, NM_001382581.1); short protein forms H25Y, H54Y, H99Y.
Identifiers: ClinVar variation 1005348 (VCV001005348.7), dbSNP rs1440304974, ClinGen allele CA379485209.